The following is an entry in ClinVar:

ClinVar aggregate classification (germline): Uncertain significance. Review status: criteria provided, multiple submitters, no conflicts (2 of 4 stars). 2 submissions from 2 submitters: Uncertain significance (2). Last evaluated 2022-11-27.

Conditions:
Inborn genetic diseases. Identifiers: MedGen C0950123, MeSH D030342.

gnomAD v4.1: 1 of 1,536,122 alleles (0.000065%); highest among the groups gnomAD compares: South Asian, 0.0012%; no homozygotes.

Submissions (2):

Ambry Genetics
Classification: Uncertain significance for Inborn genetic diseases. Last evaluated: 2022-11-27. Review status: criteria provided, single submitter. Criteria: Ambry Variant Classification Scheme 2023. Collection method: clinical testing. Allele origin: germline.
Comment: The p.S10R variant (also known as c.30C>G), located in coding exon 1 of the MDH2 gene, results from a C to G substitution at nucleotide position 30. The serine at codon 10 is replaced by arginine, an amino acid with dissimilar properties. This amino acid position is conserved. In addition, this alteration is predicted to be tolerated by in silico analysis. Since supporting evidence is limited at this time, the clinical significance of this alteration remains unclear.

Labcorp Genetics (formerly Invitae), Labcorp
Classification: Uncertain significance. Last evaluated: 2022-06-10. Review status: criteria provided, single submitter. Criteria: Invitae Variant Classification Sherloc (09022015). Collection method: clinical testing. Allele origin: germline.
Comment: In summary, the available evidence is currently insufficient to determine the role of this variant in disease. Therefore, it has been classified as a Variant of Uncertain Significance. Algorithms developed to predict the effect of missense changes on protein structure and function are either unavailable or do not agree on the potential impact of this missense change (SIFT: "Deleterious"; PolyPhen-2: "Not Available"; Align-GVGD: "Class C0"). This variant has not been reported in the literature in individuals affected with MDH2-related conditions. This variant is present in population databases (no rsID available, gnomAD 0.004%). This sequence change replaces serine, which is neutral and polar, with arginine, which is basic and polar, at codon 10 of the MDH2 protein (p.Ser10Arg).

NM_005918.4(MDH2):c.30C>G (p.Ser10Arg)

Gene: MDH2 (malate dehydrogenase 2; plus strand). Cytogenetic location: 7q11.23.
Variant type: single nucleotide variant.
Coding change: c.30C>G on transcript NM_005918.4 (MANE Select); coding-DNA position 30, C replaced by G.
Protein change: p.Ser10Arg; replaces serine 10 with arginine.
Molecular consequence: missense variant. On other transcripts: 5 prime UTR variant (1), non-coding transcript variant (1).
Genome position (GRCh38, 1-based): chr7:76,048,190, C>G. VCF-style: chr7-76048190-C-G. GRCh37 (hg19) VCF-style: chr7-75677508-C-G.
Other names: c.30C>G (NM_005918.2); c.30C>G, p.Ser10Arg (NM_001282403.2); c.-123C>G (NM_001282404.2); short protein forms S10R.
Identifiers: ClinVar variation 2107497 (VCV002107497.6), dbSNP rs782755606, ClinGen allele CA367760063.